The following is an entry in ClinVar:

NM_004360.5(CDH1):c.177T>G (p.Asp59Glu)

Gene: CDH1 (cadherin 1; plus strand). Cytogenetic location: 16q22.1.
Variant type: single nucleotide variant.
Coding change: c.177T>G on transcript NM_004360.5 (MANE Select); coding-DNA position 177, T replaced by G.
Protein change: p.Asp59Glu; replaces aspartic acid 59 with glutamic acid.
Molecular consequence: missense variant. On other transcripts: 5 prime UTR variant (2).
Genome position (GRCh38, 1-based): chr16:68,801,683, T>G. VCF-style: chr16-68801683-T-G. GRCh37 (hg19) VCF-style: chr16-68835586-T-G.
Other names: p.D59E:GAT>GAG; c.177T>G (LRG_301t1); c.177T>G, p.Asp59Glu (NM_001317184.2); c.-1439T>G (NM_001317185.2); c.-1643T>G (NM_001317186.2); short protein forms D59E.
Identifiers: ClinVar variation 127918 (VCV000127918.24), dbSNP rs587780116, ClinGen allele CA288045.

ClinVar aggregate classification (germline): Conflicting classifications of pathogenicity. Review status: criteria provided, conflicting classifications (1 of 4 stars). 8 submissions from 8 submitters: Uncertain significance (6); Likely benign (1). 1 of the submissions does not count toward it. Last evaluated 2024-07-30.

Conditions:
CDH1-related disorder. Also called: CDH1-related condition.
Hereditary cancer-predisposing syndrome. Also called: Tumor predisposition; Hereditary Cancer Syndrome; Neoplastic Syndromes, Hereditary; Hereditary neoplastic syndrome. Identifiers: Orphanet 140162, MedGen C0027672, MeSH D009386, MONDO:0015356.
Hereditary diffuse gastric adenocarcinoma (HDGC). Also called: DIFFUSE GASTRIC AND LOBULAR BREAST CANCER SYNDROME. Identifiers: Orphanet 26106, MedGen C1708349, MONDO:0007648, OMIM 137215.

Allele frequency attached by ClinVar (database versions not stated): gnomAD exomes below 0.00001 and 0.00002; ExAC 0.00001; TOPMed 0.00002.
gnomAD v4.1: 16 of 1,613,910 alleles (0.00099%); highest among the groups gnomAD compares: Non-Finnish European, 0.0013%; no homozygotes.

Submissions (8):

Labcorp Genetics (formerly Invitae), Labcorp
Classification: Uncertain significance for Hereditary diffuse gastric adenocarcinoma. Last evaluated: 2024-07-30. Review status: criteria provided, single submitter. Criteria: Invitae Variant Classification Sherloc (09022015). Collection method: clinical testing. Allele origin: germline.
Comment: This sequence change replaces aspartic acid, which is acidic and polar, with glutamic acid, which is acidic and polar, at codon 59 of the CDH1 protein (p.Asp59Glu). This variant is present in population databases (rs587780116, gnomAD 0.007%). This variant has not been reported in the literature in individuals affected with CDH1-related conditions. ClinVar contains an entry for this variant (Variation ID: 127918). An algorithm developed to predict the effect of missense changes on protein structure and function (PolyPhen-2) suggests that this variant is likely to be tolerated. In summary, the available evidence is currently insufficient to determine the role of this variant in disease. Therefore, it has been classified as a Variant of Uncertain Significance.

Color Diagnostics, LLC DBA Color Health
Classification: Uncertain significance for Hereditary cancer-predisposing syndrome. Last evaluated: 2023-12-05. Review status: criteria provided, single submitter. Criteria: ACMG Guidelines, 2015. Collection method: clinical testing. Allele origin: germline.
Comment: This missense variant replaces aspartic acid with glutamic acid at codon 59 of the CDH1 protein. To our knowledge, functional studies have not been reported for this variant. This variant has not been reported in individuals affected with hereditary cancer in the literature. This variant has been identified in 1/251444 chromosomes in the general population by the Genome Aggregation Database (gnomAD). The available evidence is insufficient to determine the role of this variant in disease conclusively. Therefore, this variant is classified as a Variant of Uncertain Significance.

Myriad Genetics, Inc.
Classification: Uncertain significance for Hereditary diffuse gastric adenocarcinoma. Last evaluated: 2023-03-07. Review status: criteria provided, single submitter. Criteria: Myriad Autosomal Dominant, Autosomal Recessive and X-Linked Classification Criteria (2023). Collection method: clinical testing. Allele origin: unknown.
Comment: This variant is classified as a variant of uncertain significance as there is insufficient evidence to determine its impact on protein function and/or cancer risk.

Ambry Genetics
Classification: Likely benign for Hereditary cancer-predisposing syndrome. Last evaluated: 2022-11-08. Review status: criteria provided, single submitter. Criteria: Ambry Variant Classification Scheme 2023. Collection method: clinical testing. Allele origin: germline.

PreventionGenetics, part of Exact Sciences
Classification: Uncertain significance for CDH1-related condition. Last evaluated: 2022-10-18. Review status: criteria provided, single submitter. Criteria: ACMG Guidelines, 2015. Collection method: clinical testing. Allele origin: germline.
Comment: The CDH1 c.177T>G variant is predicted to result in the amino acid substitution p.Asp59Glu. To our knowledge, this variant has not been reported in the literature. This variant is reported in 0.0062% of alleles in individuals of African descent in gnomAD and has been classified as a variant of uncertain significance in ClinVar. At this time, the clinical significance of this variant is uncertain due to the absence of conclusive functional and genetic evidence.

Sema4
Classification: Uncertain significance for Hereditary cancer-predisposing syndrome. Last evaluated: 2021-11-26. Review status: criteria provided, single submitter. Criteria: Sema4 Curation Guidelines. Collection method: curation. Allele origin: germline.
Comment: To the best of our knowledge, the CDH1 c.177T>G (p.D59E) variant has not been reported in individuals with CDH1-related disease. It was observed in 1/16256 chromosomes of the African/African American subpopulation in the large and broad cohorts of the Genome Aggregation Database (PMID: 32461654). The variant has been reported in ClinVar (Variation ID 127918). Functional studies have not been performed, and in silico predictions of the variant's effect on protein function are inconclusive. The evidence is insufficient to meet ACMG/AMP criteria for classifying the variant as benign or pathogenic. Thus, the clinical significance of this variant is currently uncertain.

GeneDx
Classification: Uncertain significance. Last evaluated: 2014-02-05. Review status: criteria provided, single submitter. Criteria: GeneDx Variant Classification (06012015). Collection method: clinical testing. Allele origin: germline. Affected: yes.
Comment: This variant is denoted CDH1 c.177T>G at the cDNA level, p.Asp59Glu (D59E) at the protein level, and results in the change of an Aspartic Acid to a Glutamic Acid (GAT>GAG). This variant has not, to our knowledge, been published in the literature as pathogenic or benign. CDH1 Asp59Glu was not observed in approximately 6,500 individuals of European and African American ancestry in the NHLBI Exome Sequencing Project, indicating it is not a common benign variant in these populations. This variant is a conservative substitution of one negative polar amino acid for another, altering a position that is variable throughout evolution and is located within the Propeptide domain (UniProt). In silico analyses predict this variant to have a benign effect on protein structure and function. Based on currently available information, it is unclear whether CDH1 Asp59Glu is pathogenic or benign. We consider it to be a variant of uncertain significance.

Counsyl
Classification: Uncertain significance for Hereditary diffuse gastric adenocarcinoma. Last evaluated: 2016-03-03. Review status: no assertion criteria provided. Collection method: clinical testing. Allele origin: unknown. Not counted in ClinVar's aggregate classification.